The following is an entry in ClinVar:

NM_005732.4(RAD50):c.3602G>A (p.Cys1201Tyr)

Genes: TH2LCRR (T helper type 2 locus control region associated RNA; minus strand), RAD50 (RAD50 double strand break repair protein; plus strand), TH2-LCR (Th2 cytokine locus control region; plus strand). Cytogenetic location: 5q31.1.
Variant type: single nucleotide variant.
Coding change: c.3602G>A on transcript NM_005732.4 (MANE Select); coding-DNA position 3602, G replaced by A.
Protein change: p.Cys1201Tyr; replaces cysteine 1201 with tyrosine.
Molecular consequence: missense variant. On other transcripts: non-coding transcript variant (3).
Genome position (GRCh38, 1-based): chr5:132,638,207, G>A. VCF-style: chr5-132638207-G-A. GRCh37 (hg19) VCF-style: chr5-131973899-G-A.
Other names: short protein forms C1201Y.
Identifiers: ClinVar variation 1733112 (VCV001733112.2), dbSNP rs2149863670, ClinGen allele CA360932362.
Genomic context (GRCh38, chr5:132,638,207, plus strand): 5'-ATTATAACTACCGAGTGGTGATGCTGAAGGGAGACACAGCCTTGGATATGCGAGGACGAT[G>A]CAGTGCTGGACAAAAGGCAGGTATCTCAAAAGCCTGGGGAGCCAACTCACCCAAGTAACT-3'
Protein context (NP_005723.2, residues 1191-1211): GDTALDMRGR[Cys1201Tyr]SAGQKVLASL

ClinVar aggregate classification (germline): Uncertain significance (1 of 4 stars; one submission).

Conditions:
Hereditary cancer-predisposing syndrome. Also called: Neoplastic Syndromes, Hereditary; Tumor predisposition; Hereditary Cancer Syndrome; Hereditary neoplastic syndrome. Identifiers: Orphanet 140162, MedGen C0027672, MeSH D009386, MONDO:0015356.

Submission:

Ambry Genetics
Classification: Uncertain significance for Hereditary cancer-predisposing syndrome. Last evaluated: 2021-06-30. Review status: criteria provided, single submitter. Criteria: Ambry Variant Classification Scheme 2023. Collection method: clinical testing. Allele origin: germline.
Comment: The p.C1201Y variant (also known as c.3602G>A), located in coding exon 23 of the RAD50 gene, results from a G to A substitution at nucleotide position 3602. The cysteine at codon 1201 is replaced by tyrosine, an amino acid with highly dissimilar properties. This amino acid position is conserved. In addition, this alteration is predicted to be deleterious by in silico analysis. Since supporting evidence is limited at this time, the clinical significance of this alteration remains unclear.